The following is an entry in ClinVar:

ClinVar aggregate classification (germline): Likely benign (0 of 4 stars; one submission).

Conditions:
NAGLU-related disorder. Also called: NAGLU-related condition.

Allele frequency attached by ClinVar (database versions not stated): gnomAD 0.00001; ExAC 0.00002; gnomAD exomes 0.00002.
gnomAD v4.1: 23 of 1,606,846 alleles (0.0014%); highest among the groups gnomAD compares: Middle Eastern, 0.016%; no homozygotes.

Submission:

PreventionGenetics, part of Exact Sciences
Classification: Likely benign for NAGLU-related condition. Last evaluated: 2020-02-26. Review status: no assertion criteria provided. Collection method: clinical testing. Allele origin: germline.
Comment: This variant is classified as likely benign based on ACMG/AMP sequence variant interpretation guidelines (Richards et al. 2015 PMID: 25741868, with internal and published modifications).

NM_000263.4(NAGLU):c.*8G>A

Gene: NAGLU (N-acetyl-alpha-glucosaminidase; plus strand). Cytogenetic location: 17q21.2.
Variant type: single nucleotide variant.
Coding change: c.*8G>A on transcript NM_000263.4 (MANE Select); 8 bases downstream of the stop codon, G replaced by A.
Molecular consequence: 3 prime UTR variant.
Genome position (GRCh38, 1-based): chr17:42,544,246, G>A. VCF-style: chr17-42544246-G-A. GRCh37 (hg19) VCF-style: chr17-40696264-G-A.
Identifiers: ClinVar variation 3051948 (VCV003051948.2), dbSNP rs748627460, ClinGen allele CA8577168.